The following is an entry in ClinVar:

ClinVar aggregate classification (germline): Uncertain significance. Review status: criteria provided, multiple submitters, no conflicts (2 of 4 stars). 5 submissions from 5 submitters: Uncertain significance (5). Last evaluated 2025-11-23.

Conditions:
Hypertrophic cardiomyopathy 14. Identifiers: MedGen C2750467, MONDO:0013197, OMIM 613251.
Cardiovascular phenotype. Identifiers: MedGen CN230736.

Allele frequency attached by ClinVar (database versions not stated): gnomAD exomes 0.00001 and 0.00003; ExAC 0.00002; gnomAD 0.00007 and 0.00008; ESP Exome Variant Server 0.00008; TOPMed 0.00008; 1000 Genomes Project 30x 0.00016; 1000 Genomes Project 0.00020.
gnomAD v4.1: 18 of 1,613,144 alleles (0.0011%); highest among the groups gnomAD compares: African/African-American, 0.023%; no homozygotes.

Submissions (5):

Labcorp Genetics (formerly Invitae), Labcorp
Classification: Uncertain significance for Hypertrophic cardiomyopathy 14. Last evaluated: 2025-11-23. Review status: criteria provided, single submitter. Criteria: Invitae Variant Classification Sherloc (09022015). Collection method: clinical testing. Allele origin: germline.
Comment: This sequence change replaces aspartic acid, which is acidic and polar, with glutamic acid, which is acidic and polar, at codon 334 of the MYH6 protein (p.Asp334Glu). This variant is present in population databases (rs371859345, gnomAD 0.03%). This variant has not been reported in the literature in individuals affected with MYH6-related conditions. ClinVar contains an entry for this variant (Variation ID: 228883). An algorithm developed to predict the effect of missense changes on protein structure and function (PolyPhen-2) suggests that this variant is likely to be tolerated. In summary, the available evidence is currently insufficient to determine the role of this variant in disease. Therefore, it has been classified as a Variant of Uncertain Significance.

Ambry Genetics
Classification: Uncertain significance for Cardiovascular phenotype. Last evaluated: 2024-07-02. Review status: criteria provided, single submitter. Criteria: Ambry Variant Classification Scheme 2023. Collection method: clinical testing. Allele origin: germline.
Comment: The p.D334E variant (also known as c.1002T>A), located in coding exon 9 of the MYH6 gene, results from a T to A substitution at nucleotide position 1002. The aspartic acid at codon 334 is replaced by glutamic acid, an amino acid with highly similar properties. This amino acid position is highly conserved in available vertebrate species. In addition, the in silico prediction for this alteration is inconclusive. Since supporting evidence is limited at this time, the clinical significance of this alteration remains unclear.

GeneDx
Classification: Uncertain significance. Last evaluated: 2022-10-11. Review status: criteria provided, single submitter. Criteria: GeneDx Variant Classification Process June 2021. Collection method: clinical testing. Allele origin: germline. Affected: yes.
Comment: Reported in association with HCM in published literature (Ingles et al., 2019); In silico analysis supports that this missense variant has a deleterious effect on protein structure/function; This variant is associated with the following publications: (PMID: 30681346)

Women's Health and Genetics/Laboratory Corporation of America, LabCorp
Classification: Uncertain significance. Last evaluated: 2022-03-05. Review status: criteria provided, single submitter. Criteria: LabCorp Variant Classification Summary - May 2015. Collection method: clinical testing. Allele origin: germline.

Laboratory for Molecular Medicine, Mass General Brigham Personalized Medicine
Classification: Uncertain significance. Last evaluated: 2015-02-12. Review status: criteria provided, single submitter. Criteria: LMM Criteria. Collection method: clinical testing. Allele origin: germline. Observed: 1 variant allele.
Comment: The p.Asp334Glu variant in MYH6 has not been previously reported in individuals with cardiomyopathy, but has been identified in 2/10340 African chromosomes by t he Exome Aggregation Consortium (ExAC; dbSNP rs3 71859345). Computational prediction tools and conservation analysis do not provi de strong support for or against and impact to the protein. This variant is loca ted in the last three bases of the exon, which is part of the 5? splice region; however, computational tools do not suggest an impact to splicing. This informat ion is not predictive enough to rule out pathogenicity. In summary, the clinical significance of the p.Asp334Glu variant is uncertain.

NM_002471.4(MYH6):c.1002T>A (p.Asp334Glu)

Gene: MYH6 (myosin heavy chain 6; minus strand). Cytogenetic location: 14q11.2.
Variant type: single nucleotide variant.
Coding change: c.1002T>A on transcript NM_002471.4 (MANE Select); coding-DNA position 1002, T replaced by A.
Protein change: p.Asp334Glu; replaces aspartic acid 334 with glutamic acid.
Molecular consequence: missense variant.
Genome position (GRCh38, 1-based): chr14:23,402,697, A>T on the plus strand (T>A on the coding strand, the complement: MYH6 is on the minus strand). VCF-style: chr14-23402697-A-T. GRCh37 (hg19) VCF-style: chr14-23871906-A-T.
Other names: short protein forms D334E.
Identifiers: ClinVar variation 228883 (VCV000228883.16), dbSNP rs371859345, ClinGen allele CA7115950.